The following is an entry in ClinVar:

ClinVar aggregate classification (germline): Uncertain significance (1 of 4 stars; one submission).

Conditions:
Intellectual developmental disorder, autosomal recessive 5. Also called: Intellectual disability, autosomal recessive 5. Identifiers: Orphanet 88616, MedGen C1970199, MONDO:0012613, OMIM 611091.

Submission:

Baylor Genetics
Classification: Uncertain significance for Intellectual developmental disorder, autosomal recessive 5. Last evaluated: 2018-03-19. Review status: criteria provided, single submitter. Criteria: ACMG Guidelines, 2015. Collection method: clinical testing. Allele origin: unknown. Affected: yes.
Comment: This variant was determined to be of uncertain significance according to ACMG Guidelines, 2015 [PMID:25741868].

NM_017755.6(NSUN2):c.1594C>G (p.Pro532Ala)

Gene: NSUN2 (NOP2/Sun RNA methyltransferase 2; minus strand). Cytogenetic location: 5p15.31.
Variant type: single nucleotide variant.
Coding change: c.1594C>G on transcript NM_017755.6 (MANE Select); coding-DNA position 1594, C replaced by G.
Protein change: p.Pro532Ala; replaces proline 532 with alanine.
Molecular consequence: missense variant. On other transcripts: non-coding transcript variant (1).
Genome position (GRCh38, 1-based): chr5:6,606,827, G>C on the plus strand (C>G on the coding strand, the complement: NSUN2 is on the minus strand). VCF-style: chr5-6606827-G-C. GRCh37 (hg19) VCF-style: chr5-6606940-G-C.
Other names: c.1489C>G, p.Pro497Ala (NM_001193455.2); short protein forms P497A, P532A.
Identifiers: ClinVar variation 1031995 (VCV001031995.1), dbSNP rs1736795903, ClinGen allele CA359117420.